The following is an entry in ClinVar:

NM_002109.6(HARS1):c.522+1G>A

Gene: HARS1 (histidyl-tRNA synthetase 1; minus strand). Cytogenetic location: 5q31.3.
Variant type: single nucleotide variant.
Coding change: c.522+1G>A on transcript NM_002109.6 (MANE Select); the canonical splice donor site of the intron after coding-DNA position 522, G replaced by A.
Molecular consequence: splice donor variant. On other transcripts: intron variant (4).
Genome position (GRCh38, 1-based): chr5:140,679,001, C>T on the plus strand (G>A on the coding strand, the complement: HARS1 is on the minus strand). VCF-style: chr5-140679001-C-T. GRCh37 (hg19) VCF-style: chr5-140058586-C-T.
Other names: c.435+1G>A (NM_001289094.2); c.181-986G>A (NM_001289093.2); c.342+61G>A (NM_001258042.3); c.402+1G>A (NM_001258040.3); c.301-986G>A (NM_001289092.2); c.462+61G>A (NM_001258041.3).
Identifiers: ClinVar variation 1680340 (VCV001680340.6), dbSNP rs375271566, ClinGen allele CA3444092.

ClinVar aggregate classification (germline): Uncertain significance (1 of 4 stars; one submission).

Conditions:
Usher syndrome type 3B. Also called: USHER SYNDROME, TYPE IIIB. Identifiers: MedGen C3281066, MONDO:0013788, OMIM 614504.

Allele frequency attached by ClinVar (database versions not stated): ExAC 0.00001; gnomAD 0.00001; gnomAD exomes 0.00001; TOPMed 0.00002; ESP Exome Variant Server 0.00008.

Submission:

Labcorp Genetics (formerly Invitae), Labcorp
Classification: Uncertain significance for Usher syndrome type 3B. Last evaluated: 2024-12-30. Review status: criteria provided, single submitter. Criteria: Invitae Variant Classification Sherloc (09022015). Collection method: clinical testing. Allele origin: germline.
Comment: This sequence change affects a donor splice site in intron 5 of the HARS gene. It is expected to disrupt RNA splicing. Variants that disrupt the donor or acceptor splice site typically lead to a loss of protein function (PMID: 16199547), however the current clinical and genetic evidence is not sufficient to establish whether loss-of-function variants in HARS cause disease. This variant is present in population databases (rs375271566, gnomAD 0.01%). This variant has not been reported in the literature in individuals affected with HARS-related conditions. ClinVar contains an entry for this variant (Variation ID: 1680340). Algorithms developed to predict the effect of sequence changes on RNA splicing suggest that this variant may disrupt the consensus splice site. In summary, the available evidence is currently insufficient to determine the role of this variant in disease. Therefore, it has been classified as a Variant of Uncertain Significance.

Literature cited by the submitters: PubMed 16199547.